The following is an entry in ClinVar:

NM_002691.4(POLD1):c.1210C>G (p.Pro404Ala)

Gene: POLD1 (DNA polymerase delta 1, catalytic subunit; plus strand). Cytogenetic location: 19q13.33.
Variant type: single nucleotide variant.
Coding change: c.1210C>G on transcript NM_002691.4 (MANE Select); coding-DNA position 1210, C replaced by G.
Protein change: p.Pro404Ala; replaces proline 404 with alanine.
Molecular consequence: missense variant. On other transcripts: non-coding transcript variant (1).
Genome position (GRCh38, 1-based): chr19:50,403,565, C>G. VCF-style: chr19-50403565-C-G. GRCh37 (hg19) VCF-style: chr19-50906822-C-G.
Other names: c.1210C>G, p.Pro404Ala (NM_001256849.1, NM_001308632.1); short protein forms P404A.
Identifiers: ClinVar variation 3666376 (VCV003666376.9).

ClinVar aggregate classification (germline): Uncertain significance. Review status: criteria provided, multiple submitters, no conflicts (2 of 4 stars). 2 submissions from 2 submitters: Uncertain significance (2). Last evaluated 2025-09-01.

Conditions:
POLD1-related polyposis and colorectal cancer syndrome (CRCS10). Also called: Colorectal cancer, susceptibility to, 10; Colorectal cancer 10; COLORECTAL CANCER, SUSCEPTIBILITY TO, ON CHROMOSOME 19q. Identifiers: Orphanet 220460, MedGen C2675481, MONDO:0012953, OMIM 612591.

Submissions (2):

CeGaT Center for Human Genetics Tuebingen
Classification: Uncertain significance. Last evaluated: 2025-09-01. Review status: criteria provided, single submitter. Criteria: CeGaT Center For Human Genetics Tuebingen Variant Classification Criteria Version 2. Collection method: clinical testing. Allele origin: germline. Affected: yes. Observed: 1 variant allele.
Comment: POLD1: PM2

Labcorp Genetics (formerly Invitae), Labcorp
Classification: Uncertain significance for POLD1-related polyposis and colorectal cancer syndrome. Last evaluated: 2024-11-03. Review status: criteria provided, single submitter. Criteria: Invitae Variant Classification Sherloc (09022015). Collection method: clinical testing. Allele origin: germline.
Comment: This sequence change replaces proline, which is neutral and non-polar, with alanine, which is neutral and non-polar, at codon 404 of the POLD1 protein (p.Pro404Ala). This variant is not present in population databases (gnomAD no frequency). This variant has not been reported in the literature in individuals affected with POLD1-related conditions. Invitae Evidence Modeling of protein sequence and biophysical properties (such as structural, functional, and spatial information, amino acid conservation, physicochemical variation, residue mobility, and thermodynamic stability) indicates that this missense variant is not expected to disrupt POLD1 protein function with a negative predictive value of 80%. In summary, the available evidence is currently insufficient to determine the role of this variant in disease. Therefore, it has been classified as a Variant of Uncertain Significance.